The following is an entry in ClinVar:

ClinVar aggregate classification (germline): Pathogenic (1 of 4 stars; one submission).

Submission:

ISCA site 15
Classification: Pathogenic. Last evaluated: 2011-08-12. Review status: criteria provided, single submitter. Criteria: Kaminsky et al. (Genet Med. 2011). Collection method: clinical testing. Allele origin: de novo. Affected: yes. Observed: 2 variant alleles.
Comment: Copy number variation identified through the course of routine clinical cytogenomic testing in postnatal populations. Clinical assertions have been curated as described in Kaminsky et al. 2011.

GRCh38/hg38 22q11.21(chr22:18339130-21086225)x1

Genes: AIFM3 (AIF family member 3; plus strand), ARVCF (ARVCF delta catenin family member; minus strand), C22orf39 (chromosome 22 open reading frame 39; minus strand), CCDC188 (coiled-coil domain containing 188; minus strand), CDC45 (cell division cycle 45; plus strand) and 185 more. Cytogenetic location: 22q11.21.
Variant type: copy number loss.
Change: copy number 1 (one copy instead of two) of chr22:18,339,130-21,086,225 (2.75 Mb, GRCh38 coordinates, 1-based), cytogenetic band 22q11.21.
Identifiers: ClinVar variation 57594 (VCV000057594.1).